The following is an entry in ClinVar:

NM_000540.3(RYR1):c.6892-14C>T

Gene: RYR1 (ryanodine receptor 1; plus strand). Cytogenetic location: 19q13.2.
Variant type: single nucleotide variant.
Coding change: c.6892-14C>T on transcript NM_000540.3 (MANE Select); 14 bases into the intron before coding-DNA position 6892, C replaced by T.
Molecular consequence: intron variant.
Genome position (GRCh38, 1-based): chr19:38,499,094, C>T. VCF-style: chr19-38499094-C-T. GRCh37 (hg19) VCF-style: chr19-38989734-C-T.
Other names: c.6892-14C>T (NM_001042723.2).
Identifiers: ClinVar variation 256544 (VCV000256544.5), dbSNP rs886038338, ClinGen allele CA10587317.

ClinVar aggregate classification (germline): Likely benign. Review status: criteria provided, multiple submitters, no conflicts (2 of 4 stars). 4 submissions from 4 submitters: Likely benign (4). Last evaluated 2024-02-22.

Conditions:
Malignant hyperthermia, susceptibility to, 1 (MHS1). Also called: RYR1-Related Malignant Hyperthermia Susceptibility; Anesthesia related hyperthermia; Malignant hyperpyrexia; Fulminating hyperpyrexia; Pharmacogenic myopathy; Malignant hyperthermia suceptibility 1. Identifiers: Orphanet 423, MedGen C2930980, MONDO:0007783, OMIM 145600.

Allele frequency attached by ClinVar (database versions not stated): gnomAD exomes below 0.00001.
gnomAD v4.1: 1 of 1,613,780 alleles (0.000062%); highest among the groups gnomAD compares: Non-Finnish European, 0.000085%; no homozygotes.

Submissions (4):

All of Us Research Program, National Institutes of Health
Classification: Likely benign for Malignant hyperthermia, susceptibility to, 1. Last evaluated: 2024-02-22. Review status: criteria provided, single submitter. Criteria: ACMG Guidelines, 2015. Collection method: clinical testing. Allele origin: germline. Inheritance: Autosomal dominant inheritance. Observed: 1 variant allele, 1 heterozygote.
Comment: This study involves interpretation of variants in research participants for the purpose of population health screening. Participant phenotype was not available at the time of variant classification. Additional details can be found in publication PMID: 35346344, PMCID: PMC8962531

Color Diagnostics, LLC DBA Color Health
Classification: Likely benign for Malignant hyperthermia, susceptibility to, 1. Last evaluated: 2024-01-26. Review status: criteria provided, single submitter. Criteria: ACMG Guidelines, 2015. Collection method: clinical testing. Allele origin: germline.

GeneDx
Classification: Likely benign. Last evaluated: 2016-08-25. Review status: criteria provided, single submitter. Criteria: GeneDx Variant Classification (06012015). Collection method: clinical testing. Allele origin: germline. Affected: yes.
Comment: This variant is considered likely benign or benign based on one or more of the following criteria: it is a conservative change, it occurs at a poorly conserved position in the protein, it is predicted to be benign by multiple in silico algorithms, and/or has population frequency not consistent with disease.

PreventionGenetics, part of Exact Sciences
Classification: Likely benign. Review status: criteria provided, single submitter. Criteria: ACMG Guidelines, 2015. Collection method: clinical testing. Allele origin: germline.